The following is an entry in ClinVar:

ClinVar aggregate classification (germline): Pathogenic/Likely pathogenic. Review status: criteria provided, multiple submitters, no conflicts (2 of 4 stars). 2 submissions from 2 submitters: Pathogenic (1); Likely pathogenic (1). Last evaluated 2025-06-02.

Conditions:
Atypical hemolytic-uremic syndrome with MCP/CD46 anomaly. Also called: HEMOLYTIC UREMIC SYNDROME, ATYPICAL, SUSCEPTIBILITY TO, 2; AHUS, SUSCEPTIBILITY TO, 2. Identifiers: Orphanet 2134, MedGen C2752040, MONDO:0013040, OMIM 612922.

Allele frequency attached by ClinVar (database versions not stated): gnomAD exomes below 0.00001; TOPMed below 0.00001; gnomAD 0.00001; ExAC 0.00002.

Submissions (2):

Laboratorio de Genetica e Diagnostico Molecular, Hospital Israelita Albert Einstein
Classification: Likely pathogenic for Atypical hemolytic-uremic syndrome with MCP/CD46 anomaly. Last evaluated: 2025-06-02. Review status: criteria provided, single submitter. Criteria: ACMG Guidelines, 2015. Collection method: clinical testing. Allele origin: germline. Affected: yes.
Comment: ACMG classification criteria: PVS1 very strong, PM2 supporting

Labcorp Genetics (formerly Invitae), Labcorp
Classification: Pathogenic. Last evaluated: 2022-09-01. Review status: criteria provided, single submitter. Criteria: Invitae Variant Classification Sherloc (09022015). Collection method: clinical testing. Allele origin: germline.
Comment: For these reasons, this variant has been classified as Pathogenic. Algorithms developed to predict the effect of sequence changes on RNA splicing suggest that this variant may disrupt the consensus splice site. This variant has not been reported in the literature in individuals affected with CD46-related conditions. This variant is present in population databases (rs779609255, gnomAD 0.01%). This sequence change creates a premature translational stop signal (p.Ala311Argfs*39) in the CD46 gene. It is expected to result in an absent or disrupted protein product. Loss-of-function variants in CD46 are known to be pathogenic (PMID: 16621965, 23431077).

Literature cited by the submitters: PubMed 16621965 (cited by Labcorp Genetics (formerly Invitae), Labcorp); PubMed 23431077 (cited by Labcorp Genetics (formerly Invitae), Labcorp).

NM_172351.3(CD46):c.886del (p.Ala296fs)

Gene: CD46 (CD46 molecule; plus strand). Cytogenetic location: 1q32.2.
Variant type: Deletion.
Coding change: c.886del on transcript NM_172351.3 (MANE Select); coding-DNA position 886, one base deleted (G; older notation c.886delG).
Protein change: p.Ala296fs; shifts the reading frame from alanine 296.
Molecular consequence: frameshift variant. On other transcripts: intron variant (5).
Genome position (GRCh38, 1-based): chr1:207,767,808, G deleted. VCF-style (leftmost placement, unchanged base first): chr1-207767807-AG-A. GRCh37 (hg19) VCF-style: chr1-207941152-AG-A.
Other names: c.931del, p.Ala311fs (NM_002389.4, NM_172359.3); c.886del, p.Ala296fs (NM_153826.4, NM_172355.3, NM_172356.3 and 1 more transcripts); c.856+613del (NM_172352.3, NM_172353.3, NM_172350.3 and 2 more transcripts); short protein forms A296fs, A311fs.
Identifiers: ClinVar variation 2078079 (VCV002078079.5), dbSNP rs779609255, ClinGen allele CA1371797.